The following is an entry in ClinVar:

NM_001352514.2(HLCS):c.1250T>A (p.Leu417Ter)

Gene: HLCS (holocarboxylase synthetase; minus strand). Cytogenetic location: 21q22.13.
Variant type: single nucleotide variant.
Coding change: c.1250T>A on transcript NM_001352514.2 (MANE Select); coding-DNA position 1250, T replaced by A.
Protein change: p.Leu417Ter; replaces leucine 417 with a stop codon.
Molecular consequence: nonsense. On other transcripts: non-coding transcript variant (2).
Genome position (GRCh38, 1-based): chr21:36,936,636, A>T on the plus strand (T>A on the coding strand, the complement: HLCS is on the minus strand). VCF-style: chr21-36936636-A-T. GRCh37 (hg19) VCF-style: chr21-38308936-A-T.
Other names: c.809T>A, p.Leu270Ter (NM_000411.8, NM_001242784.3, NM_001242785.2 and 4 more transcripts); short protein forms L270*, L417*.
Identifiers: ClinVar variation 984055 (VCV000984055.3), dbSNP rs2066894484, ClinGen allele CA409912257.

ClinVar aggregate classification (germline): Likely pathogenic (1 of 4 stars; one submission).

Conditions:
Holocarboxylase synthetase deficiency. Also called: MULTIPLE CARBOXYLASE DEFICIENCY, EARLY ONSET. Identifiers: Orphanet 79242, MedGen C0268581, MONDO:0009666, OMIM 253270.

Submission:

Myriad Genetics, Inc.
Classification: Likely pathogenic for Holocarboxylase synthetase deficiency. Last evaluated: 2019-05-03. Review status: criteria provided, single submitter. Criteria: Myriad Women's Health Autosomal Recessive and X-Linked Classification Criteria (2019). Collection method: clinical testing. Allele origin: unknown.
Comment: NM_000411.6(HLCS):c.809T>A(L270*) is expected to be pathogenic in the context of holocarboxylase synthetase deficiency. This variant is predicted to lead to an abnormal or absent protein product due to the creation of a premature termination codon in HLCS, a gene where loss-of-function variants are known to be pathogenic. Please note: this variant was assessed in the context of healthy population screening.